The following is an entry in ClinVar:

NM_007194.4(CHEK2):c.253C>G (p.Pro85Ala)

Gene: CHEK2 (checkpoint kinase 2; minus strand). Cytogenetic location: 22q12.1.
Variant type: single nucleotide variant.
Coding change: c.253C>G on transcript NM_007194.4 (MANE Select); coding-DNA position 253, C replaced by G.
Protein change: p.Pro85Ala; replaces proline 85 with alanine.
Molecular consequence: missense variant.
Genome position (GRCh38, 1-based): chr22:28,734,469, G>C on the plus strand (C>G on the coding strand, the complement: CHEK2 is on the minus strand). VCF-style: chr22-28734469-G-C. GRCh37 (hg19) VCF-style: chr22-29130457-G-C.
Other names: c.253C>G, p.Pro85Ala (NM_001005735.3, NM_001349956.3, NM_145862.3); c.-525C>G (NM_001257387.3); short protein forms P85A.
Identifiers: ClinVar variation 2452078 (VCV002452078.2), dbSNP rs1366081066, ClinGen allele CA411090556.

ClinVar aggregate classification (germline): Uncertain significance (1 of 4 stars; one submission).

Conditions:
Hereditary cancer-predisposing syndrome. Also called: Neoplastic Syndromes, Hereditary; Tumor predisposition; Hereditary neoplastic syndrome; Hereditary Cancer Syndrome. Identifiers: Orphanet 140162, MedGen C0027672, MeSH D009386, MONDO:0015356.

Submission:

Ambry Genetics
Classification: Uncertain significance for Hereditary cancer-predisposing syndrome. Last evaluated: 2023-01-26. Review status: criteria provided, single submitter. Criteria: Ambry Variant Classification Scheme 2023. Collection method: clinical testing. Allele origin: germline.
Comment: The p.P85A variant (also known as c.253C>G), located in coding exon 1 of the CHEK2 gene, results from a C to G substitution at nucleotide position 253. The proline at codon 85 is replaced by alanine, an amino acid with highly similar properties. This amino acid position is highly conserved in available vertebrate species. In addition, the in silico prediction for this alteration is inconclusive. Since supporting evidence is limited at this time, the clinical significance of this alteration remains unclear.